The following is an entry in ClinVar:

ClinVar aggregate classification (germline): Uncertain significance (1 of 4 stars; one submission).

Conditions:
Fanconi anemia complementation group O. Also called: RAD51C-Related Fanconi Anemia. Identifiers: Orphanet 84, MedGen C3150653, MONDO:0013248, OMIM 613390.

Submission:

Labcorp Genetics (formerly Invitae), Labcorp
Classification: Uncertain significance for Fanconi anemia complementation group O. Last evaluated: 2021-08-04. Review status: criteria provided, single submitter. Criteria: Invitae Variant Classification Sherloc (09022015). Collection method: clinical testing. Allele origin: germline.
Comment: In summary, the available evidence is currently insufficient to determine the role of this variant in disease. Therefore, it has been classified as a Variant of Uncertain Significance. This sequence change replaces threonine with proline at codon 34 of the RAD51C protein (p.Thr34Pro). The threonine residue is moderately conserved and there is a small physicochemical difference between threonine and proline. This variant is not present in population databases (ExAC no frequency). This variant has not been reported in the literature in individuals affected with RAD51C-related conditions. Advanced modeling of protein sequence and biophysical properties (such as structural, functional, and spatial information, amino acid conservation, physicochemical variation, residue mobility, and thermodynamic stability) performed at Invitae indicates that this missense variant is expected to disrupt RAD51C protein function.

NM_058216.3(RAD51C):c.100A>C (p.Thr34Pro)

Gene: RAD51C (RAD51 paralog C; plus strand). Cytogenetic location: 17q22.
Variant type: single nucleotide variant.
Coding change: c.100A>C on transcript NM_058216.3 (MANE Select); coding-DNA position 100, A replaced by C.
Protein change: p.Thr34Pro; replaces threonine 34 with proline.
Molecular consequence: missense variant. On other transcripts: non-coding transcript variant (1).
Genome position (GRCh38, 1-based): chr17:58,692,743, A>C. VCF-style: chr17-58692743-A-C. GRCh37 (hg19) VCF-style: chr17-56770104-A-C.
Other names: c.100A>C, p.Thr34Pro (NM_002876.4); short protein forms T34P.
Identifiers: ClinVar variation 1353129 (VCV001353129.8), dbSNP rs2143678482, ClinGen allele CA400337351.
Genomic context (GRCh38, chr17:58,692,743, plus strand): 5'-TTGGTGAGTTTCCCGCTGTCTCCAGCGGTGCGGGTGAAGCTGGTGTCTGCGGGGTTCCAG[A>C]CTGCTGAGGAACTCCTAGAGGTGAAACCCTCCGAGCTTAGCAAAGGTAACGACTCCTGAT-3'
Protein context (NP_478123.1, residues 24-44): RVKLVSAGFQ[Thr34Pro]AEELLEVKPS